The following is an entry in ClinVar:

ClinVar aggregate classification (germline): Uncertain significance (1 of 4 stars; one submission).

Allele frequency attached by ClinVar (database versions not stated): gnomAD 0.00003; TOPMed 0.00005; gnomAD exomes 0.00008.
gnomAD v4.1: 115 of 1,539,032 alleles (0.0075%); highest among the groups gnomAD compares: Non-Finnish European, 0.0096%; no homozygotes.

Submission:

Labcorp Genetics (formerly Invitae), Labcorp
Classification: Uncertain significance. Last evaluated: 2024-01-03. Review status: criteria provided, single submitter. Criteria: Invitae Variant Classification Sherloc (09022015). Collection method: clinical testing. Allele origin: germline.
Comment: This sequence change replaces glutamic acid, which is acidic and polar, with aspartic acid, which is acidic and polar, at codon 36 of the DYNC1I2 protein (p.Glu36Asp). The frequency data for this variant in the population databases is considered unreliable, as metrics indicate poor data quality at this position in the gnomAD database. This variant has not been reported in the literature in individuals affected with DYNC1I2-related conditions. An algorithm developed to predict the effect of missense changes on protein structure and function (PolyPhen-2) suggests that this variant is likely to be tolerated. In summary, the available evidence is currently insufficient to determine the role of this variant in disease. Therefore, it has been classified as a Variant of Uncertain Significance.

NM_001378.3(DYNC1I2):c.108A>T (p.Glu36Asp)

Gene: DYNC1I2 (dynein cytoplasmic 1 intermediate chain 2; plus strand). Cytogenetic location: 2q31.1.
Variant type: single nucleotide variant.
Coding change: c.108A>T on transcript NM_001378.3 (MANE Select); coding-DNA position 108, A replaced by T.
Protein change: p.Glu36Asp; replaces glutamic acid 36 with aspartic acid.
Molecular consequence: missense variant.
Genome position (GRCh38, 1-based): chr2:171,690,263, A>T. VCF-style: chr2-171690263-A-T. GRCh37 (hg19) VCF-style: chr2-172546773-A-T.
Other names: c.108A>T, p.Glu36Asp (NM_001271785.2, NM_001271786.2, NM_001271787.2 and 8 more transcripts); short protein forms E36D.
Identifiers: ClinVar variation 2760151 (VCV002760151.3), dbSNP rs757274921, ClinGen allele CA1965428.
Genomic context (GRCh38, chr2:171,690,263, plus strand): 5'-GCGACTGGCCCAAATCAGAGAGGAAAAGAAGAGAAAAGAAGAAGAAAGGAAAAAAAAAGA[A>T]GTATGTTTGATTTTTTTGCTTAAATAAACAACATAAAGTAATTGGGTTTTATTTCACATA-3'
Protein context (NP_001369.1, residues 26-46): KRKEEERKKK[Glu36Asp]TDQKKEAVAP